The following is an entry in ClinVar:

NM_000059.4(BRCA2):c.7856G>A (p.Trp2619Ter)

Gene: BRCA2 (BRCA2 DNA repair associated; plus strand). Cytogenetic location: 13q13.1.
Variant type: single nucleotide variant.
Coding change: c.7856G>A on transcript NM_000059.4 (MANE Select); coding-DNA position 7856, G replaced by A.
Protein change: p.Trp2619Ter; replaces tryptophan 2619 with a stop codon.
Molecular consequence: nonsense.
Genome position (GRCh38, 1-based): chr13:32,362,573, G>A. VCF-style: chr13-32362573-G-A. GRCh37 (hg19) VCF-style: chr13-32936710-G-A.
Other names: short protein forms W2619*.
Identifiers: ClinVar variation 52427 (VCV000052427.20), dbSNP rs397507941, ClinGen allele CA025309.
Genomic context (GRCh38, chr13:32,362,573, plus strand): 5'-ATTTGTTCAGGGCTCTGTGTGACACTCCAGGTGTGGATCCAAAGCTTATTTCTAGAATTT[G>A]GGTTTATAATCACTATAGATGGATCATATGGAAACTGGCAGCTATGGAATGTGCCTTTCC-3'

ClinVar aggregate classification (germline): Pathogenic. Review status: reviewed by expert panel (3 of 4 stars). 7 submissions from 7 submitters: Pathogenic (1). 6 of the submissions do not count toward it. Last evaluated 2016-09-08.

Conditions:
Hereditary breast ovarian cancer syndrome. Also called: Hereditary breast and ovarian cancer; Breast and ovarian cancer; Hereditary breast and ovarian cancer syndrome; BRCA1- and BRCA2-Associated Hereditary Breast and Ovarian Cancer; Hereditary breast and ovarian cancer syndrome (HBOC); Hereditary breast and/or ovarian cancer syndrome. Identifiers: Orphanet 145, MedGen C0677776, MeSH D061325, MONDO:0003582. Disease mechanism: loss of function.
Breast-ovarian cancer, familial, susceptibility to, 2 (BROVCA2). Also called: BRCA2 Hereditary Breast and Ovarian Cancer. Identifiers: Orphanet 145, MedGen C2675520, MONDO:0012933, OMIM 612555. Disease mechanism: loss of function.
Familial cancer of breast. Also called: hereditary breast carcinoma; BREAST CANCER, FAMILIAL; Hereditary breast cancer. Identifiers: Orphanet 227535, MedGen C0346153, MONDO:0016419, OMIM 114480. Disease mechanism: loss of function.
Malignant tumor of breast. Also called: Malignant breast neoplasm; Cancer breast. Identifiers: MedGen C0006142, MONDO:0007254. Disease mechanism: loss of function.

Submissions (7):

Evidence-based Network for the Interpretation of Germline Mutant Alleles (ENIGMA)
Classification: Pathogenic for Breast-ovarian cancer, familial, susceptibility to, 2. Last evaluated: 2016-09-08. Review status: reviewed by expert panel. Criteria: ENIGMA BRCA1/2 Classification Criteria (2015). Collection method: curation. Allele origin: germline.
Comment: Variant allele predicted to encode a truncated non-functional protein.

Department of Clinical Genetics, Copenhagen University Hospital, Rigshospitalet
Classification: Pathogenic for Familial cancer of breast. Last evaluated: 2025-12-10. Review status: criteria provided, single submitter. Criteria: ACMG Guidelines, 2015. Collection method: clinical testing. Allele origin: germline. Not counted in ClinVar's aggregate classification.
Comment: The following ACMG criteria has been used: PM2_SUP; PVS1; PM5_Strong (PTC)

Labcorp Genetics (formerly Invitae), Labcorp
Classification: Pathogenic for Hereditary breast ovarian cancer syndrome. Last evaluated: 2019-12-18. Review status: criteria provided, single submitter. Criteria: Invitae Variant Classification Sherloc (09022015). Collection method: clinical testing. Allele origin: germline. Not counted in ClinVar's aggregate classification.
Comment: For these reasons, this variant has been classified as Pathogenic. Truncating sequence changes in BRCA2 are known to be pathogenic. This particular truncation has been reported previously in an individual with breast cancer (PMID: 21318380). This sequence change creates a premature translational stop signal at codon 2619 (p.Trp2619*). It is expected to result in an absent or disrupted protein product.

Consortium of Investigators of Modifiers of BRCA1/2 (CIMBA), c/o University of Cambridge
Classification: Pathogenic for Breast-ovarian cancer, familial, susceptibility to, 2. Last evaluated: 2015-10-02. Review status: criteria provided, single submitter. Criteria: CIMBA Mutation Classification guidelines May 2016. Collection method: clinical testing. Allele origin: germline. Not counted in ClinVar's aggregate classification.

Department of Pathology and Laboratory Medicine, Sinai Health System
Classification: Pathogenic for Malignant tumor of breast. Review status: no assertion criteria provided. Collection method: clinical testing. Allele origin: unknown. Affected: yes. Observed: 1 variant allele. Study: The Canadian Open Genetics Repository (COGR). Not counted in ClinVar's aggregate classification.
Comment: The BRCA2 p.Trp2619X variant was identified in 2 of 2972 proband chromosomes (frequency: 0.001) from individuals with breast or ovarian cancer (Hansen 2011, Nanda 2005). The variant was also identified in HGMD and the BIC database (1X with clinical importance). The p.Trp2619X variant leads to a premature stop codon at position 2619, which is predicted to lead to a truncated or absent protein and loss of function. Loss of function variants of the BRCA2 gene are an established mechanism of disease in hereditary breast and ovarian cancer and is the type of variant expected to cause the disorder. In summary, based on the above information, this variant meets our laboratoryâ€šÃ„Ã´s criteria to be classified as pathogenic.

Diagnostic Laboratory, Department of Genetics, University Medical Center Groningen
Classification: Pathogenic. Review status: no assertion criteria provided. Collection method: clinical testing. Allele origin: germline. Affected: yes. Study: VKGL Data-share Consensus. Not counted in ClinVar's aggregate classification.

Joint Genome Diagnostic Labs from Nijmegen and Maastricht, Radboudumc and MUMC+
Classification: Pathogenic. Review status: no assertion criteria provided. Collection method: clinical testing. Allele origin: germline. Affected: yes. Study: VKGL Data-share Consensus. Not counted in ClinVar's aggregate classification.

Literature cited by the submitters: PubMed 21318380 (cited by Department of Clinical Genetics, Copenhagen University Hospital, Rigshospitalet and Labcorp Genetics (formerly Invitae), Labcorp).